The following is an entry in ClinVar:

NM_032043.3(BRIP1):c.2450A>G (p.Tyr817Cys)

Gene: BRIP1 (BRCA1 interacting DNA helicase 1; minus strand). Cytogenetic location: 17q23.2.
Variant type: single nucleotide variant.
Coding change: c.2450A>G on transcript NM_032043.3 (MANE Select); coding-DNA position 2450, A replaced by G.
Protein change: p.Tyr817Cys; replaces tyrosine 817 with cysteine.
Molecular consequence: missense variant.
Genome position (GRCh38, 1-based): chr17:61,715,993, T>C on the plus strand (A>G on the coding strand, the complement: BRIP1 is on the minus strand). VCF-style: chr17-61715993-T-C. GRCh37 (hg19) VCF-style: chr17-59793354-T-C.
Other names: short protein forms Y817C.
Identifiers: ClinVar variation 548822 (VCV000548822.6), dbSNP rs1555580828, ClinGen allele CA400479564.

ClinVar aggregate classification (germline): Uncertain significance. Review status: criteria provided, multiple submitters, no conflicts (2 of 4 stars). 3 submissions from 3 submitters: Uncertain significance (2). 1 of the submissions does not count toward it. Last evaluated 2025-04-25.

Conditions:
Fanconi anemia complementation group J. Also called: BRIP1-Related Fanconi Anemia. Identifiers: Orphanet 84, MedGen C1836860, MONDO:0012187, OMIM 609054.
Familial cancer of breast. Also called: BREAST CANCER, FAMILIAL; Hereditary breast cancer; hereditary breast carcinoma. Identifiers: Orphanet 227535, MedGen C0346153, MONDO:0016419, OMIM 114480. Disease mechanism: loss of function.
Ovarian cancer. Also called: OVARIAN CANCER, SOMATIC. Identifiers: Orphanet 213500, MedGen C1140680, MONDO:0008170, OMIM 167000.

Allele frequency attached by ClinVar (database versions not stated): gnomAD exomes below 0.00001.
gnomAD v4.1: 1 of 1,609,190 alleles (0.000062%); highest among the groups gnomAD compares: Non-Finnish European, 0.000085%; no homozygotes.

Submissions (3):

Labcorp Genetics (formerly Invitae), Labcorp
Classification: Uncertain significance for Familial cancer of breast; Fanconi anemia complementation group J. Last evaluated: 2025-04-25. Review status: criteria provided, single submitter. Criteria: Invitae Variant Classification Sherloc (09022015). Collection method: clinical testing. Allele origin: germline.
Comment: This sequence change replaces tyrosine, which is neutral and polar, with cysteine, which is neutral and slightly polar, at codon 817 of the BRIP1 protein (p.Tyr817Cys). This variant is not present in population databases (gnomAD no frequency). This missense change has been observed in individual(s) with ovarian cancer (PMID: 26315354). ClinVar contains an entry for this variant (Variation ID: 548822). Invitae Evidence Modeling of protein sequence and biophysical properties (such as structural, functional, and spatial information, amino acid conservation, physicochemical variation, residue mobility, and thermodynamic stability) indicates that this missense variant is expected to disrupt BRIP1 protein function with a positive predictive value of 95%. In summary, the available evidence is currently insufficient to determine the role of this variant in disease. Therefore, it has been classified as a Variant of Uncertain Significance.

Myriad Genetics, Inc.
Classification: Uncertain significance for Familial cancer of breast. Last evaluated: 2023-02-27. Review status: criteria provided, single submitter. Criteria: Myriad Autosomal Dominant, Autosomal Recessive and X-Linked Classification Criteria (2023). Collection method: clinical testing. Allele origin: unknown.
Comment: This variant is classified as a variant of uncertain significance as there is insufficient evidence to determine its impact on protein function and/or cancer risk.

Counsyl
Classification: Uncertain significance for Fanconi anemia complementation group J; Ovarian cancer. Last evaluated: 2017-12-14. Review status: no assertion criteria provided. Collection method: clinical testing. Allele origin: unknown. Not counted in ClinVar's aggregate classification.

Literature cited by the submitters: PubMed 26315354 (cited by Labcorp Genetics (formerly Invitae), Labcorp and Counsyl).